The following is an entry in ClinVar:

NM_000965.5(RARB):c.1199C>T (p.Pro400Leu)

Gene: RARB (retinoic acid receptor beta; plus strand). Cytogenetic location: 3p24.2.
Variant type: single nucleotide variant.
Coding change: c.1199C>T on transcript NM_000965.5 (MANE Select); coding-DNA position 1199, C replaced by T.
Protein change: p.Pro400Leu; replaces proline 400 with leucine.
Molecular consequence: missense variant. On other transcripts: non-coding transcript variant (2).
Genome position (GRCh38, 1-based): chr3:25,596,468, C>T. VCF-style: chr3-25596468-C-T. GRCh37 (hg19) VCF-style: chr3-25637959-C-T.
Other names: c.1220C>T, p.Pro407Leu (NM_001290216.3); c.863C>T, p.Pro288Leu (NM_001290217.2, NM_001290276.2, NM_016152.4); c.1052C>T, p.Pro351Leu (NM_001290266.2); c.1061C>T, p.Pro354Leu (NM_001290277.1); c.1070C>T, p.Pro357Leu (NM_001290300.2); short protein forms P288L, P351L, P354L, P357L, P400L, P407L.
Identifiers: ClinVar variation 3377400 (VCV003377400.1).

ClinVar aggregate classification (germline): Likely pathogenic (1 of 4 stars; one submission).

Conditions:
Microphthalmia, syndromic 12 (MCOPS12). Also called: MICROPHTHALMIA WITH OR WITHOUT PULMONARY HYPOPLASIA, DIAPHRAGMATIC HERNIA, AND/OR CARDIAC DEFECTS. Identifiers: Orphanet 2470, Orphanet 689829, MedGen C3809803, MONDO:0014229, OMIM 615524.

Submission:

Victorian Clinical Genetics Services, Murdoch Childrens Research Institute
Classification: Likely pathogenic for Microphthalmia, syndromic 12. Last evaluated: 2022-06-24. Review status: criteria provided, single submitter. Criteria: ACMG Guidelines, 2015. Collection method: clinical testing. Allele origin: germline. Inheritance: Autosomal dominant inheritance. Affected: yes.
Comment: Based on the classification scheme VCGS_Germline_v1.3.4, this variant is classified as Likely pathogenic. Following criteria are met: 0103 - Loss of function and gain of function are known mechanisms of disease in this gene and are associated with syndromic microphthalmia 12 (MIM#615524). A limited number of studies have shown that variants resulting in a premature termination codon result in loss-of-function, while missense variants result in both loss- and gain-of-function (PMID: 24075189, 27120018, 31816153). (I) 0108 - This gene is associated with both recessive and dominant disease. Compound heterozygous loss-of-function variants have been reported in two affected siblings while de novo heterozygous missense variants have been reported in unrelated affected individuals (PMID: 24075189, 31816153). (I) 0200 - Variant is predicted to result in a missense amino acid change from proline to leucine. (I) 0251 - This variant is heterozygous. (I) 0301 - Variant is absent from gnomAD (both v2 and v3). (SP) 0502 - Missense variant with conflicting in silico predictions and uninformative conservation. (I) 0600 - Variant is located in the annotated hormone-binding domain (PMID: 24075189). (I) 0705 - No comparable missense variants have previous evidence for pathogenicity. (I) 0807 - This variant has no previous evidence of pathogenicity. (I) 0905 - No published segregation evidence has been identified for this variant. (I) 1007 - No published functional evidence has been identified for this variant. (SP) Legend: (SP) - Supporting pathogenic, (I) - Information, (SB) - Supporting benign

Literature cited by the submitters: PubMed 24075189; PubMed 27120018; PubMed 31816153.